The following is an entry in ClinVar:

NM_019842.4(KCNQ5):c.2567del (p.Gly856fs)

Gene: KCNQ5 (potassium voltage-gated channel subfamily Q member 5; plus strand). Cytogenetic location: 6q13.
Variant type: Deletion.
Coding change: c.2567del on transcript NM_019842.4 (MANE Select); coding-DNA position 2567, one base deleted (G; older notation c.2567delG).
Protein change: p.Gly856fs; shifts the reading frame from glycine 856.
Molecular consequence: frameshift variant.
Genome position (GRCh38, 1-based): chr6:73,195,182, G deleted; the last of 2 consecutive G bases (chr6:73,195,181-73,195,182); deleting either gives the same sequence. VCF-style (leftmost placement, unchanged base first): chr6-73195180-AG-A. GRCh37 (hg19) VCF-style: chr6-73904903-AG-A.
Other names: c.2540del, p.Gly847fs (NM_001160130.2); c.2597del, p.Gly866fs (NM_001160132.2); c.2624del, p.Gly875fs (NM_001160133.2); c.2237del, p.Gly746fs (NM_001160134.2); short protein forms G746fs, G847fs, G866fs, G875fs, G856fs.
Identifiers: ClinVar variation 2023577 (VCV002023577.4), dbSNP rs2533932915, ClinGen allele CA2580075753.

ClinVar aggregate classification (germline): Uncertain significance (1 of 4 stars; one submission).

Submission:

Labcorp Genetics (formerly Invitae), Labcorp
Classification: Uncertain significance. Last evaluated: 2022-08-11. Review status: criteria provided, single submitter. Criteria: Invitae Variant Classification Sherloc (09022015). Collection method: clinical testing. Allele origin: germline.
Comment: In summary, the available evidence is currently insufficient to determine the role of this variant in disease. Therefore, it has been classified as a Variant of Uncertain Significance. This variant has not been reported in the literature in individuals affected with KCNQ5-related conditions. This variant is not present in population databases (gnomAD no frequency). This sequence change creates a premature translational stop signal (p.Gly875Alafs*16) in the KCNQ5 gene. While this is not anticipated to result in nonsense mediated decay, it is expected to disrupt the last 77 amino acid(s) of the KCNQ5 protein.